The following is an entry in ClinVar:

NM_001130823.3(DNMT1):c.910A>C (p.Ser304Arg)

Gene: DNMT1 (DNA methyltransferase 1; minus strand). Cytogenetic location: 19p13.2.
Variant type: single nucleotide variant.
Coding change: c.910A>C on transcript NM_001130823.3 (MANE Select); coding-DNA position 910, A replaced by C.
Protein change: p.Ser304Arg; replaces serine 304 with arginine.
Molecular consequence: missense variant.
Genome position (GRCh38, 1-based): chr19:10,163,342, T>G on the plus strand (A>C on the coding strand, the complement: DNMT1 is on the minus strand). VCF-style: chr19-10163342-T-G. GRCh37 (hg19) VCF-style: chr19-10274018-T-G.
Other names: c.862A>C, p.Ser288Arg (NM_001318730.2, NM_001379.4); c.547A>C, p.Ser183Arg (NM_001318731.2); short protein forms S183R, S288R, S304R.
Identifiers: ClinVar variation 1002749 (VCV001002749.9), dbSNP rs1599376406, ClinGen allele CA403941000.

ClinVar aggregate classification (germline): Uncertain significance. Review status: criteria provided, multiple submitters, no conflicts (2 of 4 stars). 2 submissions from 2 submitters: Uncertain significance (2). Last evaluated 2021-12-02.

Conditions:
Hereditary sensory neuropathy-deafness-dementia syndrome. Also called: Hereditary sensory neuropathy type IE; HSN IE; NEUROPATHY, HEREDITARY SENSORY, WITH HEARING LOSS AND DEMENTIA; Hereditary Sensory and Autonomic Neuropathy Type 1E (HSAN1E). Identifiers: Orphanet 456318, MedGen C3279885, MONDO:0013584, OMIM 614116.
Autosomal dominant cerebellar ataxia, deafness and narcolepsy. Also called: Autosomal Dominant Cerebellar Ataxia, Deafness, and Narcolepsy (ADCA-DN). Identifiers: Orphanet 314404, MedGen C4302668, MONDO:0011397, OMIM 604121.

Allele frequency attached by ClinVar (database versions not stated): gnomAD exomes below 0.00001.
gnomAD v4.1: 1 of 1,614,040 alleles (0.000062%); highest among the groups gnomAD compares: East Asian, 0.0022%; no homozygotes.

Submissions (2):

Fulgent Genetics
Classification: Uncertain significance for Autosomal dominant cerebellar ataxia, deafness and narcolepsy; Hereditary sensory neuropathy-deafness-dementia syndrome. Last evaluated: 2021-12-02. Review status: criteria provided, single submitter. Criteria: ACMG Guidelines, 2015. Collection method: clinical testing. Allele origin: unknown.

Labcorp Genetics (formerly Invitae), Labcorp
Classification: Uncertain significance for Hereditary sensory neuropathy-deafness-dementia syndrome. Last evaluated: 2020-10-29. Review status: criteria provided, single submitter. Criteria: Invitae Variant Classification Sherloc (09022015). Collection method: clinical testing. Allele origin: germline.
Comment: In summary, the available evidence is currently insufficient to determine the role of this variant in disease. Therefore, it has been classified as a Variant of Uncertain Significance. Algorithms developed to predict the effect of missense changes on protein structure and function are either unavailable or do not agree on the potential impact of this missense change (SIFT: "Deleterious"; PolyPhen-2: "Benign"; Align-GVGD: "Class C0"). This variant has not been reported in the literature in individuals with DNMT1-related conditions. This variant is not present in population databases (ExAC no frequency). This sequence change replaces serine with arginine at codon 304 of the DNMT1 protein (p.Ser304Arg). The serine residue is moderately conserved and there is a moderate physicochemical difference between serine and arginine.